The following is an entry in ClinVar:

ClinVar aggregate classification (germline): Uncertain significance. Review status: criteria provided, multiple submitters, no conflicts (2 of 4 stars). 3 submissions from 3 submitters: Uncertain significance (3). Last evaluated 2025-07-30.

Allele frequency attached by ClinVar (database versions not stated): gnomAD exomes 0.00004 and 0.00015; TOPMed 0.00007; ExAC 0.00012; 1000 Genomes Project 30x 0.00016; 1000 Genomes Project 0.00020.

Submissions (3):

Labcorp Genetics (formerly Invitae), Labcorp
Classification: Uncertain significance. Last evaluated: 2025-07-30. Review status: criteria provided, single submitter. Criteria: Invitae Variant Classification Sherloc (09022015). Collection method: clinical testing. Allele origin: germline.
Comment: This sequence change replaces alanine, which is neutral and non-polar, with threonine, which is neutral and polar, at codon 181 of the SEMA4A protein (p.Ala181Thr). This variant is present in population databases (rs547845460, gnomAD 0.1%), and has an allele count higher than expected for a pathogenic variant. This variant has not been reported in the literature in individuals affected with SEMA4A-related conditions. ClinVar contains an entry for this variant (Variation ID: 1000472). Invitae Evidence Modeling of protein sequence and biophysical properties (such as structural, functional, and spatial information, amino acid conservation, physicochemical variation, residue mobility, and thermodynamic stability) indicates that this missense variant is not expected to disrupt SEMA4A protein function with a negative predictive value of 80%. In summary, the available evidence is currently insufficient to determine the role of this variant in disease. Therefore, it has been classified as a Variant of Uncertain Significance.

Ambry Genetics
Classification: Uncertain significance. Last evaluated: 2024-12-04. Review status: criteria provided, single submitter. Criteria: Ambry Variant Classification Scheme 2023. Collection method: clinical testing. Allele origin: germline.

Blueprint Genetics
Classification: Uncertain significance. Last evaluated: 2023-05-30. Review status: criteria provided, single submitter. Criteria: ACMG Guidelines, 2015. Collection method: clinical testing. Allele origin: germline.

NM_022367.4(SEMA4A):c.541G>A (p.Ala181Thr)

Gene: SEMA4A (semaphorin 4A; plus strand). Cytogenetic location: 1q22.
Variant type: single nucleotide variant.
Coding change: c.541G>A on transcript NM_022367.4 (MANE Select); coding-DNA position 541, G replaced by A.
Protein change: p.Ala181Thr; replaces alanine 181 with threonine.
Molecular consequence: missense variant.
Genome position (GRCh38, 1-based): chr1:156,158,797, G>A. VCF-style: chr1-156158797-G-A. GRCh37 (hg19) VCF-style: chr1-156128588-G-A.
Other names: c.541G>A, p.Ala181Thr (NM_001193300.2, NM_001193301.2, NM_001370567.1); c.145G>A, p.Ala49Thr (NM_001193302.2); c.244G>A, p.Ala82Thr (NM_001370568.1); c.34G>A, p.Ala12Thr (NM_001370569.1, NM_001370571.1); c.541G>A (NM_022367.3); short protein forms A12T, A181T, A49T, A82T.
Identifiers: ClinVar variation 1000472 (VCV001000472.9), dbSNP rs547845460, ClinGen allele CA1155068.